The following is an entry in ClinVar:

ClinVar aggregate classification (germline): Uncertain significance (1 of 4 stars; one submission).

Conditions:
ARHGAP29-related disorder. Also called: ARHGAP29-related condition; ARHGAP29-Related Disorders.

Submission:

PreventionGenetics, part of Exact Sciences
Classification: Uncertain significance for ARHGAP29-related condition. Last evaluated: 2024-12-21. Review status: criteria provided, single submitter. Criteria: ACMG Guidelines, 2015. Collection method: clinical testing. Allele origin: germline.
Comment: The ARHGAP29 c.451C>G variant is predicted to result in the amino acid substitution p.Leu151Val. To our knowledge, this variant has not been reported in the literature or in a large population database (gnomAD), indicating this variant is rare. At this time, the clinical significance of this variant is uncertain due to the absence of conclusive functional and genetic evidence.

NM_004815.4(ARHGAP29):c.451C>G (p.Leu151Val)

Gene: ARHGAP29 (Rho GTPase activating protein 29; minus strand). Cytogenetic location: 1p22.1.
Variant type: single nucleotide variant.
Coding change: c.451C>G on transcript NM_004815.4 (MANE Select); coding-DNA position 451, C replaced by G.
Protein change: p.Leu151Val; replaces leucine 151 with valine.
Molecular consequence: missense variant.
Genome position (GRCh38, 1-based): chr1:94,208,891, G>C on the plus strand (C>G on the coding strand, the complement: ARHGAP29 is on the minus strand). VCF-style: chr1-94208891-G-C. GRCh37 (hg19) VCF-style: chr1-94674447-G-C.
Other names: c.451C>G, p.Leu151Val (NM_001328664.2, NM_001328666.2); c.259C>G, p.Leu87Val (NM_001328665.2, NM_001328667.2); short protein forms L151V, L87V.
Identifiers: ClinVar variation 4997489 (VCV004997489.1).